The following is an entry in ClinVar:

ClinVar aggregate classification (germline): Uncertain significance (1 of 4 stars; one submission).

Conditions:
Hereditary cancer-predisposing syndrome. Also called: Neoplastic Syndromes, Hereditary; Tumor predisposition; Hereditary Cancer Syndrome; Hereditary neoplastic syndrome. Identifiers: Orphanet 140162, MedGen C0027672, MeSH D009386, MONDO:0015356.

Submission:

Ambry Genetics
Classification: Uncertain significance for Hereditary cancer-predisposing syndrome. Last evaluated: 2026-04-30. Review status: criteria provided, single submitter. Criteria: Ambry Variant Classification Scheme 2023. Collection method: clinical testing. Allele origin: germline.
Comment: The p.G2400V variant (also known as c.7199G>T), located in coding exon 15 of the APC gene, results from a G to T substitution at nucleotide position 7199. The glycine at codon 2400 is replaced by valine, an amino acid with dissimilar properties. This amino acid position is highly conserved in available vertebrate species. In addition, in silico predictors for this gene do not accurately predict pathogenicity. Missense variants in APC are not a common cause of disease (Spier I et al. Genet Med. 2024 Feb;26(2):100992). Based on the available evidence, the clinical significance of this variant remains unclear.

NM_000038.6(APC):c.7199G>T (p.Gly2400Val)

Gene: APC (APC regulator of Wnt signaling pathway; plus strand). Cytogenetic location: 5q22.2.
Variant type: single nucleotide variant.
Coding change: c.7199G>T on transcript NM_000038.6 (MANE Select); coding-DNA position 7199, G replaced by T.
Protein change: p.Gly2400Val; replaces glycine 2400 with valine.
Molecular consequence: missense variant. On other transcripts: non-coding transcript variant (2).
Genome position (GRCh38, 1-based): chr5:112,842,793, G>T. VCF-style: chr5-112842793-G-T. GRCh37 (hg19) VCF-style: chr5-112178490-G-T.
Other names: c.7253G>T, p.Gly2418Val (NM_001407449.1, NM_001354896.2, NM_001407447.1 and 1 more transcripts); c.7199G>T, p.Gly2400Val (NM_001407450.1, NM_001127510.3, NM_001354895.2); c.7178G>T, p.Gly2393Val (NM_001407451.1); c.7169G>T, p.Gly2390Val (NM_001407452.1); c.7022G>T, p.Gly2341Val (NM_001407453.1, NM_001354901.2); c.6950G>T, p.Gly2317Val (NM_001407454.1, NM_001407455.1, NM_001407456.1 and 1 more transcripts); c.6896G>T, p.Gly2299Val (NM_001407458.1, NM_001407459.1, NM_001407460.1 and 1 more transcripts); c.6812G>T, p.Gly2271Val (NM_001407467.1, NM_001407469.1); and 11 more; short protein forms G2016V, G2117V, G2240V, G2271V, G2274V, G2299V, G2309V, G2317V.
Identifiers: ClinVar variation 4861421 (VCV004861421.1).